The following is an entry in ClinVar:

NM_153682.3(PIGP):c.82A>G (p.Ile28Val)

Gene: PIGP (phosphatidylinositol glycan anchor biosynthesis class P; minus strand). Cytogenetic location: 21q22.13.
Variant type: single nucleotide variant.
Coding change: c.82A>G on transcript NM_153682.3 (MANE Select); coding-DNA position 82, A replaced by G.
Protein change: p.Ile28Val; replaces isoleucine 28 with valine.
Molecular consequence: missense variant. On other transcripts: 5 prime UTR variant (1).
Genome position (GRCh38, 1-based): chr21:37,072,434, T>C on the plus strand (A>G on the coding strand, the complement: PIGP is on the minus strand). VCF-style: chr21-37072434-T-C. GRCh37 (hg19) VCF-style: chr21-38444734-T-C.
Other names: c.82A>G, p.Ile28Val (NM_001320480.2); c.-163A>G (NM_016430.4); c.154A>G, p.Ile52Val (NM_153681.2); short protein forms I28V, I52V.
Identifiers: ClinVar variation 1940125 (VCV001940125.4), dbSNP rs375492760, ClinGen allele CA10021155.

ClinVar aggregate classification (germline): Uncertain significance (1 of 4 stars; one submission).

Allele frequency attached by ClinVar (database versions not stated): gnomAD exomes below 0.00001; ExAC 0.00001; TOPMed 0.00002; gnomAD 0.00003; ESP Exome Variant Server 0.00008.
gnomAD v4.1: 8 of 1,614,072 alleles (0.0005%); highest among the groups gnomAD compares: African/African-American, 0.011%; no homozygotes.

Submission:

Labcorp Genetics (formerly Invitae), Labcorp
Classification: Uncertain significance. Last evaluated: 2022-07-19. Review status: criteria provided, single submitter. Criteria: Invitae Variant Classification Sherloc (09022015). Collection method: clinical testing. Allele origin: germline.
Comment: In summary, the available evidence is currently insufficient to determine the role of this variant in disease. Therefore, it has been classified as a Variant of Uncertain Significance. Algorithms developed to predict the effect of missense changes on protein structure and function (SIFT, PolyPhen-2, Align-GVGD) all suggest that this variant is likely to be tolerated. This variant has not been reported in the literature in individuals affected with PIGP-related conditions. This variant is present in population databases (rs375492760, gnomAD 0.007%). This sequence change replaces isoleucine, which is neutral and non-polar, with valine, which is neutral and non-polar, at codon 52 of the PIGP protein (p.Ile52Val).